The following is an entry in ClinVar:

NM_001134407.3(GRIN2A):c.1564G>A (p.Val522Met)

Gene: GRIN2A (glutamate ionotropic receptor NMDA type subunit 2A; minus strand). Cytogenetic location: 16p13.2.
Variant type: single nucleotide variant.
Coding change: c.1564G>A on transcript NM_001134407.3 (MANE Select); coding-DNA position 1564, G replaced by A.
Protein change: p.Val522Met; replaces valine 522 with methionine.
Molecular consequence: missense variant.
Genome position (GRCh38, 1-based): chr16:9,840,734, C>T on the plus strand (G>A on the coding strand, the complement: GRIN2A is on the minus strand). VCF-style: chr16-9840734-C-T. GRCh37 (hg19) VCF-style: chr16-9934591-C-T.
Other names: c.1564G>A, p.Val522Met (NM_000833.5, NM_001134408.2); short protein forms V522M.
Identifiers: ClinVar variation 3718737 (VCV003718737.2).

ClinVar aggregate classification (germline): Likely pathogenic (1 of 4 stars; one submission).

Conditions:
Landau-Kleffner syndrome (FESD). Also called: EPILEPSY, FOCAL, WITH SPEECH DISORDER AND WITH OR WITHOUT MENTAL RETARDATION; APHASIA, ACQUIRED, WITH EPILEPSY. Identifiers: Orphanet 1945, Orphanet 725, Orphanet 98818, MedGen C0282512, MONDO:0009509, OMIM 245570.

Submission:

Labcorp Genetics (formerly Invitae), Labcorp
Classification: Likely pathogenic for Landau-Kleffner syndrome. Last evaluated: 2025-09-25. Review status: criteria provided, single submitter. Criteria: Invitae Variant Classification Sherloc (09022015). Collection method: clinical testing. Allele origin: germline.
Comment: This sequence change replaces valine, which is neutral and non-polar, with methionine, which is neutral and non-polar, at codon 522 of the GRIN2A protein (p.Val522Met). This variant is not present in population databases (gnomAD no frequency). This missense change has been observed in individual(s) with GRIN2A-related conditions (internal data). In at least one individual the variant was observed to be de novo. ClinVar contains an entry for this variant (Variation ID: 3718737). Invitae Evidence Modeling of protein sequence and biophysical properties (such as structural, functional, and spatial information, amino acid conservation, physicochemical variation, residue mobility, and thermodynamic stability) has been performed for this missense variant. However, the output from this modeling did not meet the statistical confidence thresholds required to predict the impact of this variant on GRIN2A protein function. In summary, the currently available evidence indicates that the variant is pathogenic, but additional data are needed to prove that conclusively. Therefore, this variant has been classified as Likely Pathogenic.